The following is an entry in ClinVar:

ClinVar aggregate classification (germline): Uncertain significance (1 of 4 stars; one submission).

Conditions:
Autosomal recessive nonsyndromic hearing loss 2. Also called: NEUROSENSORY NONSYNDROMIC RECESSIVE DEAFNESS 2; DEAFNESS, AUTOSOMAL RECESSIVE 2. Identifiers: Orphanet 90636, MedGen C1838701, MONDO:0010807, OMIM 600060.

Submission:

Victorian Clinical Genetics Services, Murdoch Childrens Research Institute
Classification: Uncertain significance for Autosomal recessive nonsyndromic hearing loss 2. Last evaluated: 2018-08-06. Review status: criteria provided, single submitter. Criteria: ACMG Guidelines, 2015. Collection method: clinical testing. Allele origin: unknown. Affected: yes.
Comment: A homozygous inframe deletion variant, NM_000260.3(MYO7A):c.5422_5436del, has been identified in exon 39 of 49 of the MYO7A gene. The variant is predicted to result in an inframe deletion offive amino acids at position 1808_1812 of the protein (NP_000251.3:p.(Pro1808_Glu1812del)). The residues at this position have high conservation (100 vertebrates, UCSC), and are located within the MyTH4conserved domain. The variant is absent in population databases (gnomAD, dbSNP, 1000G) and has not been previously reported in clinical cases. A missense variant within the deleted region has beenreported in twosiblings with hearing loss (Riahi, Z. et al. (2015)). Based on the information available at the time of curation, this variant has been classified as a VARIANT of UNCERTAIN SIGNIFICANCE (VUS) with POTENTIAL CLINICAL RELEVANCE.

NM_000260.4(MYO7A):c.5422_5436del (p.Pro1808_Glu1812del)

Gene: MYO7A (myosin VIIA; plus strand). Cytogenetic location: 11q13.5.
Variant type: Deletion.
Coding change: c.5422_5436del on transcript NM_000260.4 (MANE Select); coding-DNA positions 5422 to 5436, 15 bases deleted (CCCCTGAAGGACGAG).
Protein change: p.Pro1808_Glu1812del.
Molecular consequence: inframe deletion.
Genome position (GRCh38, 1-based): chr11:77,204,171-77,204,185, CCCCTGAAGGACGAG deleted; deleting any 15 consecutive bases within chr11:77,204,167-77,204,185 gives the same sequence; the c. name uses the placement nearest the transcript's 3' end. VCF-style (leftmost placement, unchanged base first): chr11-77204166-CCGAGCCCCTGAAGGA-C. GRCh37 (hg19) VCF-style: chr11-76915211-CCGAGCCCCTGAAGGA-C.
Other names: c.5308_5322del, p.Pro1770_Glu1774del (NM_001127180.2); c.5275_5289del, p.Pro1759_Glu1763del (NM_001369365.1).
Identifiers: ClinVar variation 869461 (VCV000869461.2), dbSNP rs1957277819, ClinGen allele CA916083266.
Genomic context (GRCh38, chr11:77,204,166, plus strand): 5'-CCAAGAGGACACGCTCCGTCAACGAGCTCACCGACCAGATCTTTGAGGGTCCCCTGAAAG[CCGAGCCCCTGAAGGA>C]CGAGGCATATGTGCAGATCCTGAAGCAGCTGACCGACAACCACATCAGGTGAGCCAGGCA-3'